The following is an entry in ClinVar:

ClinVar aggregate classification (germline): Uncertain significance (1 of 4 stars; one submission).

Allele frequency attached by ClinVar (database versions not stated): gnomAD 0.00001; TOPMed 0.00001.

Submission:

GeneDx
Classification: Uncertain significance. Last evaluated: 2025-10-09. Review status: criteria provided, single submitter. Criteria: GeneDx Variant Classification Process June 2021. Collection method: clinical testing. Allele origin: germline. Affected: yes.
Comment: Not observed at significant frequency in large population cohorts (gnomAD); In silico analysis supports that this missense variant has a deleterious effect on protein structure/function; Has not been previously published as pathogenic or benign to our knowledge

NM_004818.3(DDX23):c.1060G>A (p.Asp354Asn)

Gene: DDX23 (DEAD-box helicase 23; minus strand). Cytogenetic location: 12q13.12.
Variant type: single nucleotide variant.
Coding change: c.1060G>A on transcript NM_004818.3 (MANE Select); coding-DNA position 1060, G replaced by A.
Protein change: p.Asp354Asn; replaces aspartic acid 354 with asparagine.
Molecular consequence: missense variant.
Genome position (GRCh38, 1-based): chr12:48,836,745, C>T on the plus strand (G>A on the coding strand, the complement: DDX23 is on the minus strand). VCF-style: chr12-48836745-C-T. GRCh37 (hg19) VCF-style: chr12-49230528-C-T.
Other names: short protein forms D354N.
Identifiers: ClinVar variation 1312741 (VCV001312741.3), dbSNP rs1337019885, ClinGen allele CA384674701.